The following is an entry in ClinVar:

ClinVar aggregate classification (germline): Uncertain significance (1 of 4 stars; one submission).

Conditions:
Spastic paraplegia. Identifiers: MedGen C0037772, HP:0001258.

Submission:

Labcorp Genetics (formerly Invitae), Labcorp
Classification: Uncertain significance for Spastic paraplegia. Last evaluated: 2025-04-17. Review status: criteria provided, single submitter. Criteria: Invitae Variant Classification Sherloc (09022015). Collection method: clinical testing. Allele origin: germline.
Comment: This sequence change replaces isoleucine, which is neutral and non-polar, with threonine, which is neutral and polar, at codon 143 of the KIF5A protein (p.Ile143Thr). This variant is not present in population databases (gnomAD no frequency). This variant has not been reported in the literature in individuals affected with KIF5A-related conditions. ClinVar contains an entry for this variant (Variation ID: 1364637). Invitae Evidence Modeling of protein sequence and biophysical properties (such as structural, functional, and spatial information, amino acid conservation, physicochemical variation, residue mobility, and thermodynamic stability) indicates that this missense variant is expected to disrupt KIF5A protein function with a positive predictive value of 80%. In summary, the available evidence is currently insufficient to determine the role of this variant in disease. Therefore, it has been classified as a Variant of Uncertain Significance.

NM_004984.4(KIF5A):c.428T>C (p.Ile143Thr)

Gene: KIF5A (kinesin family member 5A; plus strand). Cytogenetic location: 12q13.3.
Variant type: single nucleotide variant.
Coding change: c.428T>C on transcript NM_004984.4 (MANE Select); coding-DNA position 428, T replaced by C.
Protein change: p.Ile143Thr; replaces isoleucine 143 with threonine.
Molecular consequence: missense variant.
Genome position (GRCh38, 1-based): chr12:57,564,491, T>C. VCF-style: chr12-57564491-T-C. GRCh37 (hg19) VCF-style: chr12-57958274-T-C.
Other names: c.161T>C, p.Ile54Thr (NM_001354705.2); short protein forms I54T, I143T.
Identifiers: ClinVar variation 1364637 (VCV001364637.8), dbSNP rs2140159373, ClinGen allele CA385495307.